The following is an entry in ClinVar:

NM_003200.5(TCF3):c.1907T>C (p.Val636Ala)

Gene: TCF3 (transcription factor 3; minus strand). Cytogenetic location: 19p13.3.
Variant type: single nucleotide variant.
Coding change: c.1907T>C on transcript NM_003200.5 (MANE Select); coding-DNA position 1907, T replaced by C.
Protein change: p.Val636Ala; replaces valine 636 with alanine.
Molecular consequence: missense variant.
Genome position (GRCh38, 1-based): chr19:1,611,765, A>G on the plus strand (T>C on the coding strand, the complement: TCF3 is on the minus strand). VCF-style: chr19-1611765-A-G. GRCh37 (hg19) VCF-style: chr19-1611764-A-G.
Other names: c.1898T>C, p.Val633Ala (NM_001136139.4, NM_001351779.2); c.1904T>C, p.Val635Ala (NM_001351778.2); short protein forms V636A, V635A, V633A.
Identifiers: ClinVar variation 2026914 (VCV002026914.4), dbSNP rs2061003803, ClinGen allele CA403048110.

ClinVar aggregate classification (germline): Uncertain significance (1 of 4 stars; one submission).

Submission:

Labcorp Genetics (formerly Invitae), Labcorp
Classification: Uncertain significance. Last evaluated: 2025-05-01. Review status: criteria provided, single submitter. Criteria: Invitae Variant Classification Sherloc (09022015). Collection method: clinical testing. Allele origin: germline.
Comment: This sequence change replaces valine, which is neutral and non-polar, with alanine, which is neutral and non-polar, at codon 636 of the TCF3 protein (p.Val636Ala). This variant is not present in population databases (gnomAD no frequency). This variant has not been reported in the literature in individuals affected with TCF3-related conditions. ClinVar contains an entry for this variant (Variation ID: 2026914). Invitae Evidence Modeling of protein sequence and biophysical properties (such as structural, functional, and spatial information, amino acid conservation, physicochemical variation, residue mobility, and thermodynamic stability) indicates that this missense variant is not expected to disrupt TCF3 protein function with a negative predictive value of 80%. In summary, the available evidence is currently insufficient to determine the role of this variant in disease. Therefore, it has been classified as a Variant of Uncertain Significance.